The following is an entry in ClinVar:

NM_000343.4(SLC5A1):c.862T>G (p.Leu288Val)

Gene: SLC5A1 (solute carrier family 5 member 1; plus strand). Cytogenetic location: 22q12.3.
Variant type: single nucleotide variant.
Coding change: c.862T>G on transcript NM_000343.4 (MANE Select); coding-DNA position 862, T replaced by G.
Protein change: p.Leu288Val; replaces leucine 288 with valine.
Molecular consequence: missense variant.
Genome position (GRCh38, 1-based): chr22:32,084,636, T>G. VCF-style: chr22-32084636-T-G. GRCh37 (hg19) VCF-style: chr22-32480623-T-G.
Other names: c.481T>G, p.Leu161Val (NM_001256314.2); short protein forms L288V, L161V.
Identifiers: ClinVar variation 341244 (VCV000341244.11), dbSNP rs139037092, ClinGen allele CA10198072.
Genomic context (GRCh38, chr22:32,084,636, plus strand): 5'-GATCCCCTCACGGGAGACCTCCCATGGCCTGGGTTCATCTTTGGGATGTCCATCCTTACC[T>G]TGTGGTACTGGTGCACAGATCAGGTACCCAAGCTGGATGTGCGGGATGGACAGAGTCTTC-3'
Protein context (NP_000334.1, residues 278-298): GFIFGMSILT[Leu288Val]WYWCTDQVIV

ClinVar aggregate classification (germline): Conflicting classifications of pathogenicity. Review status: criteria provided, conflicting classifications (1 of 4 stars). 4 submissions from 4 submitters: Uncertain significance (3); Likely benign (1). Last evaluated 2024-05-11.

Conditions:
Inborn genetic diseases. Identifiers: MedGen C0950123, MeSH D030342.
Congenital glucose-galactose malabsorption (GGM). Also called: MONOSACCHARIDE MALABSORPTION; DIARRHEA 16. Identifiers: Orphanet 35710, MedGen C0268186, MONDO:0011731, OMIM 606824.

Allele frequency attached by ClinVar (database versions not stated): ESP Exome Variant Server 0.00015; 1000 Genomes Project 30x 0.00016; TOPMed 0.00027.
gnomAD v4.1: 550 of 1,614,134 alleles (0.034%); highest among the groups gnomAD compares: Non-Finnish European, 0.038%; 1 homozygote.

Submissions (4):

Fulgent Genetics
Classification: Likely benign for Congenital glucose-galactose malabsorption. Last evaluated: 2024-05-11. Review status: criteria provided, single submitter. Criteria: ACMG Guidelines, 2015. Collection method: clinical testing. Allele origin: germline.

Labcorp Genetics (formerly Invitae), Labcorp
Classification: Uncertain significance for Congenital glucose-galactose malabsorption. Last evaluated: 2022-09-27. Review status: criteria provided, single submitter. Criteria: Invitae Variant Classification Sherloc (09022015). Collection method: clinical testing. Allele origin: germline.
Comment: This sequence change replaces leucine, which is neutral and non-polar, with valine, which is neutral and non-polar, at codon 288 of the SLC5A1 protein (p.Leu288Val). This variant is present in population databases (rs139037092, gnomAD 0.2%). This variant has not been reported in the literature in individuals affected with SLC5A1-related conditions. ClinVar contains an entry for this variant (Variation ID: 341244). Advanced modeling of protein sequence and biophysical properties (such as structural, functional, and spatial information, amino acid conservation, physicochemical variation, residue mobility, and thermodynamic stability) performed at Invitae indicates that this missense variant is not expected to disrupt SLC5A1 protein function. In summary, the available evidence is currently insufficient to determine the role of this variant in disease. Therefore, it has been classified as a Variant of Uncertain Significance.

Ambry Genetics
Classification: Uncertain significance for Inborn genetic diseases. Last evaluated: 2021-08-09. Review status: criteria provided, single submitter. Criteria: Ambry Variant Classification Scheme 2023. Collection method: clinical testing. Allele origin: germline.

Illumina Laboratory Services, Illumina
Classification: Uncertain significance for Congenital glucose-galactose malabsorption. Last evaluated: 2018-01-12. Review status: criteria provided, single submitter. Criteria: ICSL Variant Classification Criteria 13 December 2019. Collection method: clinical testing. Allele origin: germline.